The following is an entry in ClinVar:

ClinVar aggregate classification (germline): Uncertain significance (1 of 4 stars; one submission).

Conditions:
Mucopolysaccharidosis, MPS-III-C (MPS3C). Also called: SANFILIPPO SYNDROME C; MPS III C; MPS IIIC (Sanfilippo Syndrome Type C); MUCOPOLYSACCHARIDOSIS, TYPE IIIC; Mucopolysaccharidosis type IIIC (Sanfilippo C); mucopolysaccharidosis type 3C. Identifiers: Orphanet 581, Orphanet 79271, MedGen C0086649, MONDO:0009657, OMIM 252930.
Retinitis pigmentosa 73 (RP73). Identifiers: Orphanet 791, MedGen C4225287, MONDO:0014687, OMIM 616544.

gnomAD v4.1: 1 of 1,588,888 alleles (0.000063%); highest among the groups gnomAD compares: Non-Finnish European, 0.000086%; no homozygotes.

Submission:

Juno Genomics, Hangzhou Juno Genomics, Inc
Classification: Uncertain significance for Mucopolysaccharidosis, MPS-III-C; Retinitis pigmentosa 73. Review status: criteria provided, single submitter. Criteria: ACMG Guidelines, 2015. Collection method: clinical testing. Allele origin: germline. Affected: yes.
Comment: For recessive disorders, detected in trans with a pathogenic variant.;Multiple lines of computational evidence support a deleterious effect on the gene or gene product (conservation, evolutionary, splicing impact, etc).;Absent from controls (or at extremely low frequency if recessive) in Genome Aggregation Database, Exome Sequencing Project, 1000 Genomes Project, or Exome Aggregation Consortium.

NM_152419.3(HGSNAT):c.743G>A (p.Gly248Glu)

Gene: HGSNAT (heparan-alpha-glucosaminide N-acetyltransferase; plus strand). Cytogenetic location: 8p11.21.
Variant type: single nucleotide variant.
Coding change: c.743G>A on transcript NM_152419.3 (MANE Select); coding-DNA position 743, G replaced by A.
Protein change: p.Gly248Glu; replaces glycine 248 with glutamic acid.
Molecular consequence: missense variant. On other transcripts: 5 prime UTR variant (1).
Genome position (GRCh38, 1-based): chr8:43,170,694, G>A. VCF-style: chr8-43170694-G-A. GRCh37 (hg19) VCF-style: chr8-43025837-G-A.
Other names: c.743G>A, p.Gly248Glu (NM_001363227.2, NM_001363228.2); c.-91G>A (NM_001363229.2); short protein forms G248E.
Identifiers: ClinVar variation 3382577 (VCV003382577.2).